The following is an entry in ClinVar:

ClinVar aggregate classification (germline): Uncertain significance (1 of 4 stars; one submission).

Conditions:
Familial hypocalciuric hypercalcemia (FHH). Also called: Familial benign hypercalcemia. Identifiers: Orphanet 405, MedGen C1809471, MONDO:0018458.
Autosomal dominant hypocalcemia 1 (HYPOC1). Also called: HYPOCALCEMIA, FAMILIAL. Identifiers: MedGen C3715128, MONDO:0011013, OMIM 601198.

Submission:

Labcorp Genetics (formerly Invitae), Labcorp
Classification: Uncertain significance for Familial hypocalciuric hypercalcemia; Autosomal dominant hypocalcemia 1. Last evaluated: 2022-03-20. Review status: criteria provided, single submitter. Criteria: Invitae Variant Classification Sherloc (09022015). Collection method: clinical testing. Allele origin: germline.
Comment: Algorithms developed to predict the effect of missense changes on protein structure and function (SIFT, PolyPhen-2, Align-GVGD) all suggest that this variant is likely to be disruptive. This variant has not been reported in the literature in individuals affected with CASR-related conditions. This variant is not present in population databases (gnomAD no frequency). This sequence change replaces proline, which is neutral and non-polar, with serine, which is neutral and polar, at codon 711 of the CASR protein (p.Pro711Ser). In summary, the available evidence is currently insufficient to determine the role of this variant in disease. Therefore, it has been classified as a Variant of Uncertain Significance.

NM_000388.4(CASR):c.2131C>T (p.Pro711Ser)

Gene: CASR (calcium sensing receptor; plus strand). Cytogenetic location: 3q21.1.
Variant type: single nucleotide variant.
Coding change: c.2131C>T on transcript NM_000388.4 (MANE Select); coding-DNA position 2131, C replaced by T.
Protein change: p.Pro711Ser; replaces proline 711 with serine.
Molecular consequence: missense variant.
Genome position (GRCh38, 1-based): chr3:122,284,085, C>T. VCF-style: chr3-122284085-C-T. GRCh37 (hg19) VCF-style: chr3-122002932-C-T.
Other names: c.2161C>T, p.Pro721Ser (NM_001178065.2); short protein forms P721S, P711S.
Identifiers: ClinVar variation 2115062 (VCV002115062.4), dbSNP rs2473278157, ClinGen allele CA354158693.
Genomic context (GRCh38, chr3:122,284,085, plus strand): 5'-TGCATCTCATGCATCCTGGTGAAAACCAACCGTGTCCTCCTGGTGTTTGAGGCCAAGATC[C>T]CCACCAGCTTCCACCGCAAGTGGTGGGGGCTCAACCTGCAGTTCCTGCTGGTTTTCCTCT-3'
Protein context (NP_000379.3, residues 701-721): RVLLVFEAKI[Pro711Ser]TSFHRKWWGL